The following is an entry in ClinVar:

ClinVar aggregate classification (germline): Likely benign (1 of 4 stars; one submission).

Conditions:
Occult macular dystrophy (OCMD). Also called: OCCULT MACULAR DYSTROPHY, SUSCEPTIBILITY TO; OMD. Identifiers: Orphanet 247834, MedGen C3150833, MONDO:0013316, OMIM 613587, HP:0030636.

Allele frequency attached by ClinVar (database versions not stated): gnomAD 0.00001; ExAC 0.00007; gnomAD exomes 0.00003; TOPMed 0.00002.
gnomAD v4.1: 33 of 1,613,530 alleles (0.002%); highest among the groups gnomAD compares: Non-Finnish European, 0.0026%; no homozygotes.

Submission:

Illumina Laboratory Services, Illumina
Classification: Likely benign for Occult macular dystrophy. Last evaluated: 2018-01-13. Review status: criteria provided, single submitter. Criteria: ICSL Variant Classification Criteria 13 December 2019. Collection method: clinical testing. Allele origin: germline.
Comment: This variant was observed in the ICSL laboratory as part of a predisposition screen in an ostensibly healthy population. It had not been previously curated by ICSL or reported in the Human Gene Mutation Database (HGMD: prior to June 1st, 2018), and was therefore a candidate for classification through an automated scoring system. Utilizing variant allele frequency, disease prevalence and penetrance estimates, and inheritance mode, an automated score was calculated to assess if this variant is too frequent to cause the disease. Based on the score and internal cut-off values, a variant classified as likely benign is not then subjected to further curation. The score for this variant resulted in a classification of likely benign for this disease.

NM_178857.6(RP1L1):c.2315C>T (p.Ser772Leu)

Gene: RP1L1 (RP1 like 1). Cytogenetic location: 8p23.1.
Variant type: single nucleotide variant.
Coding change: c.2315C>T on transcript NM_178857.6 (MANE Select); coding-DNA position 2315, C replaced by T.
Protein change: p.Ser772Leu; replaces serine 772 with leucine.
Molecular consequence: missense variant.
Genome position (GRCh38, 1-based): chr8:10,611,783, G>A on the plus strand (C>T on the coding strand, the complement: RP1L1 is on the minus strand). VCF-style: chr8-10611783-G-A. GRCh37 (hg19) VCF-style: chr8-10469293-G-A.
Other names: short protein forms S772L.
Identifiers: ClinVar variation 911576 (VCV000911576.4), dbSNP rs759011494, ClinGen allele CA4624875.